The following is an entry in ClinVar:

NM_001184900.3(CARD8):c.1169A>G (p.Lys390Arg)

Gene: CARD8 (caspase recruitment domain family member 8; minus strand). Cytogenetic location: 19q13.33.
Variant type: single nucleotide variant.
Coding change: c.1169A>G on transcript NM_001184900.3 (MANE Select); coding-DNA position 1169, A replaced by G.
Protein change: p.Lys390Arg; replaces lysine 390 with arginine.
Molecular consequence: missense variant. On other transcripts: non-coding transcript variant (2), intron variant (7).
Genome position (GRCh38, 1-based): chr19:48,219,005, T>C on the plus strand (A>G on the coding strand, the complement: CARD8 is on the minus strand). VCF-style: chr19-48219005-T-C. GRCh37 (hg19) VCF-style: chr19-48722262-T-C.
Other names: c.1019A>G, p.Lys340Arg (NM_001184901.1, NM_001351783.2, NM_014959.5); c.1169A>G, p.Lys390Arg (NM_001351782.2); c.854A>G, p.Lys285Arg (NM_001351784.2, NM_001351787.2); c.833A>G, p.Lys278Arg (NM_001351786.2); c.851A>G, p.Lys284Arg (NM_001365950.1); c.846+2725A>G (NM_001351791.2, NM_001351792.2); c.1011+2725A>G (NM_001351788.2, NM_001351789.2); c.918+2725A>G (NM_001351790.2); and 1 more; short protein forms K278R, K340R, K390R, K285R, K284R.
Identifiers: ClinVar variation 3677872 (VCV003677872.2).

ClinVar aggregate classification (germline): Uncertain significance (1 of 4 stars; one submission).

Submission:

Labcorp Genetics (formerly Invitae), Labcorp
Classification: Uncertain significance. Last evaluated: 2025-05-07. Review status: criteria provided, single submitter. Criteria: Invitae Variant Classification Sherloc (09022015). Collection method: clinical testing. Allele origin: germline.
Comment: This sequence change replaces lysine, which is basic and polar, with arginine, which is basic and polar, at codon 340 of the CARD8 protein (p.Lys340Arg). This variant is present in population databases (no rsID available, gnomAD 0.0009%). This variant has not been reported in the literature in individuals affected with CARD8-related conditions. ClinVar contains an entry for this variant (Variation ID: 3677872). An algorithm developed to predict the effect of missense changes on protein structure and function outputs the following: PolyPhen-2: "Benign". The arginine amino acid residue is found in multiple mammalian species, which suggests that this missense change does not adversely affect protein function. In summary, the available evidence is currently insufficient to determine the role of this variant in disease. Therefore, it has been classified as a Variant of Uncertain Significance.